The following is an entry in ClinVar:

NM_198253.3(TERT):c.2548_2563del (p.Glu850fs)

Gene: TERT (telomerase reverse transcriptase; minus strand). Cytogenetic location: 5p15.33.
Variant type: Deletion.
Coding change: c.2548_2563del on transcript NM_198253.3 (MANE Select); coding-DNA positions 2548 to 2563, 16 bases deleted (GAGAACAAGCTGTTTG).
Protein change: p.Glu850fs; shifts the reading frame from glutamic acid 850.
Molecular consequence: frameshift variant. On other transcripts: non-coding transcript variant (2).
Genome position (GRCh38, 1-based): chr5:1,268,539-1,268,554, CAAACAGCTTGTTCTC deleted on the plus strand (GAGAACAAGCTGTTTG on the coding strand, the reverse complement: TERT is on the minus strand); deleting any 16 consecutive bases within chr5:1,268,539-1,268,556 gives the same sequence; the c. name uses the placement nearest the transcript's 3' end. VCF-style (leftmost placement, unchanged base first): chr5-1268538-GCAAACAGCTTGTTCTC-G. GRCh37 (hg19) VCF-style: chr5-1268653-GCAAACAGCTTGTTCTC-G.
Other names: c.2548_2563del, p.Glu850fs (NM_001193376.3); short protein forms E850fs.
Identifiers: ClinVar variation 3750018 (VCV003750018.2).

ClinVar aggregate classification (germline): Pathogenic (1 of 4 stars; one submission).

Conditions:
Dyskeratosis congenita, autosomal dominant 2. Identifiers: MedGen C3151443, MONDO:0013521, OMIM 613989.
Idiopathic Pulmonary Fibrosis. Also called: Idiopathic fibrosing alveolitis, chronic form; idiopathic fibrosing alveolitis. Identifiers: Orphanet 2032, MedGen C1800706, MeSH D054990, MONDO:0800504.

Submission:

Labcorp Genetics (formerly Invitae), Labcorp
Classification: Pathogenic for Dyskeratosis congenita, autosomal dominant 2; Idiopathic Pulmonary Fibrosis. Last evaluated: 2024-08-06. Review status: criteria provided, single submitter. Criteria: Invitae Variant Classification Sherloc (09022015). Collection method: clinical testing. Allele origin: germline.
Comment: This sequence change creates a premature translational stop signal (p.Glu850Argfs*19) in the TERT gene. It is expected to result in an absent or disrupted protein product. Loss-of-function variants in TERT are known to be pathogenic (PMID: 16247010, 17460043). This variant is not present in population databases (gnomAD no frequency). This variant has not been reported in the literature in individuals affected with TERT-related conditions. For these reasons, this variant has been classified as Pathogenic.

Literature cited by the submitters: PubMed 16247010; PubMed 17460043.